The following is an entry in ClinVar:

NM_015450.3(POT1):c.525_526insCCA (p.Asp175_Gly176insPro)

Gene: POT1 (protection of telomeres 1; minus strand). Cytogenetic location: 7q31.33.
Variant type: Insertion.
Coding change: c.525_526insCCA on transcript NM_015450.3 (MANE Select); coding-DNA positions 525 to 526, CCA inserted.
Protein change: p.Asp175_Gly176insPro.
Molecular consequence: inframe insertion. On other transcripts: non-coding transcript variant (3).
Genome position: GRCh38 VCF-style: chr7-124863370-C-CTGG. GRCh37 (hg19) VCF-style: chr7-124503424-C-CTGG.
Other names: c.132_133insCCA, p.Asp44_Gly45insPro (NM_001042594.2).
Identifiers: ClinVar variation 2099595 (VCV002099595.4), dbSNP rs2485479448, ClinGen allele CA2580076426.

ClinVar aggregate classification (germline): Uncertain significance (1 of 4 stars; one submission).

Conditions:
Tumor predisposition syndrome 3 (TPDS3). Also called: Melanoma, cutaneous malignant, susceptibility to, 10; Glioma susceptibility 9; LONG TELOMERE SYNDROME, POT1-RELATED; POT1 Tumor Predisposition. Identifiers: Orphanet 618, MedGen C4014476, MONDO:0014368, OMIM 615848.

Submission:

Labcorp Genetics (formerly Invitae), Labcorp
Classification: Uncertain significance for Tumor predisposition syndrome 3. Last evaluated: 2022-02-19. Review status: criteria provided, single submitter. Criteria: Invitae Variant Classification Sherloc (09022015). Collection method: clinical testing. Allele origin: germline.
Comment: This variant, c.525_526insCCA, results in the insertion of 1 amino acid(s) of the POT1 protein (p.Asp175_Gly176insPro), but otherwise preserves the integrity of the reading frame. This variant is not present in population databases (gnomAD no frequency). This variant has not been reported in the literature in individuals affected with POT1-related conditions. In summary, the available evidence is currently insufficient to determine the role of this variant in disease. Therefore, it has been classified as a Variant of Uncertain Significance.